The following is an entry in ClinVar:

ClinVar aggregate classification (germline): Likely benign. Review status: criteria provided, multiple submitters, no conflicts (2 of 4 stars). 7 submissions from 7 submitters: Likely benign (7). Last evaluated 2025-09-28.

Conditions:
Cardiovascular phenotype. Identifiers: MedGen CN230736.
Cardiomyopathy (CMYO). Also called: Cardiomyopathies. Identifiers: Orphanet 167848, MedGen C0878544, MONDO:0004994, HP:0001638. Inheritance: Various modes of inheritance.
Hypertrophic cardiomyopathy. Also called: HYPERTROPHIC MYOCARDIOPATHY. Identifiers: Orphanet 217569, MedGen C0007194, MeSH D002312, MONDO:0005045, HP:0001639.

Allele frequency attached by ClinVar (database versions not stated): ExAC 0.00001; gnomAD 0.00002; gnomAD exomes 0.00002 and 0.00003; TOPMed 0.00005; ESP Exome Variant Server 0.00008.
gnomAD v4.1: 42 of 1,610,726 alleles (0.0026%); highest among the groups gnomAD compares: African/African-American, 0.0054%; no homozygotes.

Submissions (7):

Labcorp Genetics (formerly Invitae), Labcorp
Classification: Likely benign for Hypertrophic cardiomyopathy. Last evaluated: 2025-09-28. Review status: criteria provided, single submitter. Criteria: Invitae Variant Classification Sherloc (09022015). Collection method: clinical testing. Allele origin: germline.

Women's Health and Genetics/Laboratory Corporation of America, LabCorp
Classification: Likely benign. Last evaluated: 2025-05-18. Review status: criteria provided, single submitter. Criteria: LabCorp Variant Classification Summary - May 2015. Collection method: clinical testing. Allele origin: germline.

Molecular Diagnostic Laboratory for Inherited Cardiovascular Disease, Montreal Heart Institute
Classification: Likely benign. Last evaluated: 2025-04-09. Review status: criteria provided, single submitter. Criteria: ACMG Guidelines, 2015. Collection method: clinical testing. Allele origin: germline. Affected: no.
Comment: BP1;BP6

All of Us Research Program, National Institutes of Health
Classification: Likely benign for Hypertrophic cardiomyopathy. Last evaluated: 2023-10-02. Review status: criteria provided, single submitter. Criteria: ACMG Guidelines, 2015. Collection method: clinical testing. Allele origin: germline. Inheritance: Autosomal dominant inheritance. Observed: 2 variant alleles, 2 heterozygotes.
Comment: This study involves interpretation of variants in research participants for the purpose of population health screening. Participant phenotype was not available at the time of variant classification. Additional details can be found in publication PMID: 35346344, PMCID: PMC8962531

CHEO Genetics Diagnostic Laboratory, Children's Hospital of Eastern Ontario
Classification: Likely benign for Cardiomyopathy. Last evaluated: 2021-10-19. Review status: criteria provided, single submitter. Criteria: ACMG Guidelines, 2015. Collection method: clinical testing. Allele origin: germline.

Color Diagnostics, LLC DBA Color Health
Classification: Likely benign for Cardiomyopathy. Last evaluated: 2018-06-04. Review status: criteria provided, single submitter. Criteria: ACMG Guidelines, 2015. Collection method: clinical testing. Allele origin: germline.

Ambry Genetics
Classification: Likely benign for Cardiovascular phenotype. Last evaluated: 2016-09-09. Review status: criteria provided, single submitter. Criteria: Ambry Variant Classification Scheme 2023. Collection method: clinical testing. Allele origin: germline.

NM_000256.3(MYBPC3):c.1173C>T (p.Asp391=)

Gene: MYBPC3 (myosin binding protein C3; minus strand). Cytogenetic location: 11p11.2.
Variant type: single nucleotide variant.
Coding change: c.1173C>T on transcript NM_000256.3 (MANE Select); coding-DNA position 1173, C replaced by T.
Protein change: p.Asp391=; no amino-acid change (aspartic acid 391 retained).
Molecular consequence: synonymous variant.
Genome position (GRCh38, 1-based): chr11:47,343,542, G>A on the plus strand (C>T on the coding strand, the complement: MYBPC3 is on the minus strand). VCF-style: chr11-47343542-G-A. GRCh37 (hg19) VCF-style: chr11-47365093-G-A.
Other names: c.1173C>T, p.Asp391= (LRG_386t1).
Identifiers: ClinVar variation 518810 (VCV000518810.20), dbSNP rs377328238, ClinGen allele CA042990.